The following is an entry in ClinVar:

ClinVar aggregate classification (germline): Uncertain significance (1 of 4 stars; one submission).

Conditions:
Kleefstra syndrome 1 (KLEFS1). Identifiers: Orphanet 261494, MedGen C0795833, MONDO:0027407, OMIM 610253.

Submission:

Labcorp Genetics (formerly Invitae), Labcorp
Classification: Uncertain significance for Kleefstra syndrome 1. Last evaluated: 2022-11-05. Review status: criteria provided, single submitter. Criteria: Invitae Variant Classification Sherloc (09022015). Collection method: clinical testing. Allele origin: germline.
Comment: In summary, the available evidence is currently insufficient to determine the role of this variant in disease. Therefore, it has been classified as a Variant of Uncertain Significance. Algorithms developed to predict the effect of missense changes on protein structure and function are either unavailable or do not agree on the potential impact of this missense change (SIFT: "Deleterious"; PolyPhen-2: "Possibly Damaging"; Align-GVGD: "Class C0"). This variant has not been reported in the literature in individuals affected with EHMT1-related conditions. This variant is not present in population databases (gnomAD no frequency). This sequence change replaces histidine, which is basic and polar, with aspartic acid, which is acidic and polar, at codon 321 of the EHMT1 protein (p.His321Asp).

NM_024757.5(EHMT1):c.961C>G (p.His321Asp)

Gene: EHMT1 (euchromatic histone lysine methyltransferase 1; plus strand). Cytogenetic location: 9q34.3.
Variant type: single nucleotide variant.
Coding change: c.961C>G on transcript NM_024757.5 (MANE Select); coding-DNA position 961, C replaced by G.
Protein change: p.His321Asp; replaces histidine 321 with aspartic acid.
Molecular consequence: missense variant.
Genome position (GRCh38, 1-based): chr9:137,743,508, C>G. VCF-style: chr9-137743508-C-G. GRCh37 (hg19) VCF-style: chr9-140637960-C-G.
Other names: c.961C>G, p.His321Asp (NM_001145527.2, NM_001354611.2); c.868C>G, p.His290Asp (NM_001354259.2, NM_001354612.2); c.940C>G, p.His314Asp (NM_001354263.2); short protein forms H290D, H314D, H321D.
Identifiers: ClinVar variation 2812256 (VCV002812256.3), dbSNP rs2541602074, ClinGen allele CA375778330.
Genomic context (GRCh38, chr9:137,743,508, plus strand): 5'-AAGAAAAAGACCAAAGTATTAAAACAGAGGACGGTGATTGAGATGTTTAAGAGCATAACT[C>G]ATTCCACTGTGGGTTCCAAGGTAAGAGACGCATTTGAGTGAGTTGCCACGTGTGCGTGGA-3'
Protein context (NP_079033.4, residues 311-331): TVIEMFKSIT[His321Asp]STVGSKGEKD